The following is an entry in ClinVar:

NM_020657.4(ZNF304):c.1400T>A (p.Ile467Lys)

Gene: ZNF304 (zinc finger protein 304; plus strand). Cytogenetic location: 19q13.43.
Variant type: single nucleotide variant.
Coding change: c.1400T>A on transcript NM_020657.4 (MANE Select); coding-DNA position 1400, T replaced by A.
Protein change: p.Ile467Lys; replaces isoleucine 467 with lysine.
Molecular consequence: missense variant.
Genome position (GRCh38, 1-based): chr19:57,357,269, T>A. VCF-style: chr19-57357269-T-A. GRCh37 (hg19) VCF-style: chr19-57868637-T-A.
Other names: c.1541T>A, p.Ile514Lys (NM_001290318.2); c.1274T>A, p.Ile425Lys (NM_001290319.2); c.1124T>A, p.Ile375Lys (NM_001329456.2); short protein forms I467K, I425K, I514K, I375K.
Identifiers: ClinVar variation 161734 (VCV000161734.2), dbSNP rs193920881, ClinGen allele CA174688.
Genomic context (GRCh38, chr19:57,357,269, plus strand): 5'-ACGTGTGCAGCAAATGTGGGAAGGCCTTTGGCTGCAAAGACACACTTGTTCAGCACCAGA[T>A]AATTCACACTGGAGCAAGGCCTTATGAGTGCAGTGAATGTGGGAAGGCCTTCAGCCGTAA-3'
Protein context (NP_065708.2, residues 457-477): GCKDTLVQHQ[Ile467Lys]IHTGARPYEC

ClinVar aggregate classification (germline): Uncertain significance (0 of 4 stars; one submission).

Conditions:
Prostate cancer. Also called: Malignant tumor of prostate. Identifiers: Orphanet 1331, MedGen C0376358, MONDO:0008315, HP:0012125.

Allele frequency attached by ClinVar (database versions not stated): gnomAD exomes below 0.00001.
gnomAD v4.1: 1 of 1,609,564 alleles (0.000062%); highest among the groups gnomAD compares: Non-Finnish European, 0.000085%; no homozygotes.

Submission:

Science for Life laboratory,  Karolinska Institutet
Classification: Uncertain significance for Malignant tumor of prostate. Review status: no assertion criteria provided. Collection method: not provided. Allele origin: somatic.
Comment: TumorID:SWE-17
ClinVar note: Converted during submission from Unknown to Uncertain significance.